The following is an entry in ClinVar:

ClinVar aggregate classification (germline): Likely benign. Review status: criteria provided, single submitter (1 of 4 stars). 2 submissions from 2 submitters: Likely benign (1). 1 of the submissions does not count toward it. Last evaluated 2025-12-21.

Conditions:
Chuvash polycythemia. Also called: POLYCYTHEMIA, VHL-DEPENDENT. Identifiers: Orphanet 238557, MedGen C1837915, MONDO:0009892, OMIM 263400.
Von Hippel-Lindau syndrome (VHLS). Also called: Von Hippel-Lindau; VHL syndrome; von Hippel–Lindau syndrome. Identifiers: Orphanet 892, MedGen C0019562, MONDO:0008667, OMIM 193300. Disease mechanism: loss of function.
VHL-related disorder. Also called: VHL-related condition.

Allele frequency attached by ClinVar (database versions not stated): gnomAD 0.00002; TOPMed 0.00003.

Submissions (2):

Labcorp Genetics (formerly Invitae), Labcorp
Classification: Likely benign for Von Hippel-Lindau syndrome; Chuvash polycythemia. Last evaluated: 2025-12-21. Review status: criteria provided, single submitter. Criteria: Invitae Variant Classification Sherloc (09022015). Collection method: clinical testing. Allele origin: germline.

PreventionGenetics, part of Exact Sciences
Classification: Likely benign for VHL-related condition. Last evaluated: 2022-06-24. Review status: no assertion criteria provided. Collection method: clinical testing. Allele origin: germline. Not counted in ClinVar's aggregate classification.
Comment: This variant is classified as likely benign based on ACMG/AMP sequence variant interpretation guidelines (Richards et al. 2015 PMID: 25741868, with internal and published modifications).

NM_000551.4(VHL):c.340+634C>T

Genes: VHL (von Hippel-Lindau tumor suppressor; plus strand), LOC107303340 (3p25 von Hippel-Lindau tumor suppressor, E3 ubiquitin protein ligase Alu-mediated recombination region; plus strand). Cytogenetic location: 3p25.3.
Variant type: single nucleotide variant.
Coding change: c.340+634C>T on transcript NM_000551.4 (MANE Select); 634 bases into the intron after coding-DNA position 340, C replaced by T.
Molecular consequence: intron variant. On other transcripts: synonymous variant (1).
Genome position (GRCh38, 1-based): chr3:10,142,821, C>T. VCF-style: chr3-10142821-C-T. GRCh37 (hg19) VCF-style: chr3-10184505-C-T.
Other names: c.399C>T (NM_001354723.1); c.399C>T, p.Phe133= (NM_001354723.2); c.340+634C>T (NM_198156.3).
Identifiers: ClinVar variation 840469 (VCV000840469.10), dbSNP rs1461514639, ClinGen allele CA896160196.